The following is an entry in ClinVar:

ClinVar aggregate classification (germline): Uncertain significance. Review status: criteria provided, multiple submitters, no conflicts (2 of 4 stars). 2 submissions from 2 submitters: Uncertain significance (2). Last evaluated 2025-09-28.

Allele frequency attached by ClinVar (database versions not stated): ExAC 0.00008; gnomAD 0.00017; TOPMed 0.00020; ESP Exome Variant Server 0.00031.
gnomAD v4.1: 77 of 1,613,844 alleles (0.0048%); highest among the groups gnomAD compares: African/African-American, 0.071%; 2 homozygotes.

Submissions (2):

Ambry Genetics
Classification: Uncertain significance. Last evaluated: 2025-09-28. Review status: criteria provided, single submitter. Criteria: Ambry Variant Classification Scheme 2023. Collection method: clinical testing. Allele origin: germline.

Labcorp Genetics (formerly Invitae), Labcorp
Classification: Uncertain significance. Last evaluated: 2025-04-27. Review status: criteria provided, single submitter. Criteria: Invitae Variant Classification Sherloc (09022015). Collection method: clinical testing. Allele origin: germline.
Comment: This sequence change replaces valine, which is neutral and non-polar, with isoleucine, which is neutral and non-polar, at codon 581 of the BUB1 protein (p.Val581Ile). This variant is present in population databases (rs113082348, gnomAD 0.08%), and has an allele count higher than expected for a pathogenic variant. This variant has not been reported in the literature in individuals affected with BUB1-related conditions. ClinVar contains an entry for this variant (Variation ID: 1779206). An algorithm developed to predict the effect of missense changes on protein structure and function outputs the following: PolyPhen-2: "Not Available". The isoleucine amino acid residue is found in multiple mammalian species, which suggests that this missense change does not adversely affect protein function. In summary, the available evidence is currently insufficient to determine the role of this variant in disease. Therefore, it has been classified as a Variant of Uncertain Significance.

NM_004336.5(BUB1):c.1741G>A (p.Val581Ile)

Gene: BUB1 (BUB1 mitotic checkpoint serine/threonine kinase; minus strand). Cytogenetic location: 2q13.
Variant type: single nucleotide variant.
Coding change: c.1741G>A on transcript NM_004336.5 (MANE Select); coding-DNA position 1741, G replaced by A.
Protein change: p.Val581Ile; replaces valine 581 with isoleucine.
Molecular consequence: missense variant.
Genome position (GRCh38, 1-based): chr2:110,655,874, C>T on the plus strand (G>A on the coding strand, the complement: BUB1 is on the minus strand). VCF-style: chr2-110655874-C-T. GRCh37 (hg19) VCF-style: chr2-111413451-C-T.
Other names: c.1681G>A, p.Val561Ile (NM_001278616.2); c.1741G>A, p.Val581Ile (NM_001278617.2); short protein forms V561I, V581I.
Identifiers: ClinVar variation 1779206 (VCV001779206.5), dbSNP rs113082348, ClinGen allele CA1827985.
Genomic context (GRCh38, chr2:110,655,874, plus strand): 5'-TGAAGTCTCCTGGGCTCTTAGGACTGGGTGCCAGGGTTTTGTTGCAGCGAATACCCCATA[C>T]AGTTGAGTCATCCAAAAACTCTTCAGCATGAGGCACTTCCTCCTATAACAGAAGATGAAA-3'
Protein context (NP_004327.1, residues 571-591): HAEEFLDDST[Val581Ile]WGIRCNKTLA